The following is an entry in ClinVar:

ClinVar aggregate classification (germline): Uncertain significance (1 of 4 stars; one submission).

Conditions:
Hereditary cancer-predisposing syndrome. Also called: Neoplastic Syndromes, Hereditary; Tumor predisposition; Hereditary Cancer Syndrome; Hereditary neoplastic syndrome. Identifiers: Orphanet 140162, MedGen C0027672, MeSH D009386, MONDO:0015356.

Allele frequency attached by ClinVar (database versions not stated): gnomAD 0.00001.
gnomAD v4.1: 1 of 1,614,036 alleles (0.000062%); highest among the groups gnomAD compares: African/African-American, 0.0013%; no homozygotes.

Submission:

Color Diagnostics, LLC DBA Color Health
Classification: Uncertain significance for Hereditary cancer-predisposing syndrome. Last evaluated: 2023-12-04. Review status: criteria provided, single submitter. Criteria: ACMG Guidelines, 2015. Collection method: clinical testing. Allele origin: germline.
Comment: This missense variant replaces glutamine with histidine at codon 3321 of the BRCA2 protein. Computational prediction suggests that this variant may not impact protein structure and function (internally defined REVEL score threshold <= 0.5, PMID: 27666373). To our knowledge, functional studies have not been reported for this variant. This variant has not been reported in individuals affected with BRCA2-related disorders in the literature. This variant has not been identified in the general population by the Genome Aggregation Database (gnomAD). The available evidence is insufficient to determine the role of this variant in disease conclusively. Therefore, this variant is classified as a Variant of Uncertain Significance.

NM_000059.4(BRCA2):c.9963G>T (p.Gln3321His)

Gene: BRCA2 (BRCA2 DNA repair associated; plus strand). Cytogenetic location: 13q13.1.
Variant type: single nucleotide variant.
Coding change: c.9963G>T on transcript NM_000059.4 (MANE Select); coding-DNA position 9963, G replaced by T.
Protein change: p.Gln3321His; replaces glutamine 3321 with histidine.
Molecular consequence: missense variant.
Genome position (GRCh38, 1-based): chr13:32,398,476, G>T. VCF-style: chr13-32398476-G-T. GRCh37 (hg19) VCF-style: chr13-32972613-G-T.
Other names: short protein forms Q3321H.
Identifiers: ClinVar variation 923547 (VCV000923547.4), dbSNP rs2073053729, ClinGen allele CA387767403.